The following is an entry in ClinVar:

NM_000059.4(BRCA2):c.1592A>C (p.Lys531Thr)

Gene: BRCA2 (BRCA2 DNA repair associated; plus strand). Cytogenetic location: 13q13.1.
Variant type: single nucleotide variant.
Coding change: c.1592A>C on transcript NM_000059.4 (MANE Select); coding-DNA position 1592, A replaced by C.
Protein change: p.Lys531Thr; replaces lysine 531 with threonine.
Molecular consequence: missense variant.
Genome position (GRCh38, 1-based): chr13:32,333,070, A>C. VCF-style: chr13-32333070-A-C. GRCh37 (hg19) VCF-style: chr13-32907207-A-C.
Other names: short protein forms K531T.
Identifiers: ClinVar variation 230786 (VCV000230786.16), dbSNP rs876658771, ClinGen allele CA10579497.

ClinVar aggregate classification (germline): Conflicting classifications of pathogenicity. Review status: criteria provided, conflicting classifications (1 of 4 stars). 4 submissions from 4 submitters: Uncertain significance (2); Likely benign (2). Last evaluated 2025-03-04.

Conditions:
Hereditary cancer-predisposing syndrome. Also called: Neoplastic Syndromes, Hereditary; Tumor predisposition; Hereditary Cancer Syndrome; Hereditary neoplastic syndrome. Identifiers: Orphanet 140162, MedGen C0027672, MeSH D009386, MONDO:0015356.
Hereditary breast ovarian cancer syndrome. Also called: BRCA1- and BRCA2-Associated Hereditary Breast and Ovarian Cancer; Hereditary breast and ovarian cancer syndrome; Hereditary breast and ovarian cancer; Hereditary breast and ovarian cancer syndrome (HBOC); Breast and ovarian cancer; Hereditary breast and/or ovarian cancer syndrome. Identifiers: Orphanet 145, MedGen C0677776, MeSH D061325, MONDO:0003582. Disease mechanism: loss of function.

Submissions (4):

Center for Genomic Medicine, Rigshospitalet, Copenhagen University Hospital
Classification: Likely benign. Last evaluated: 2025-03-04. Review status: criteria provided, single submitter. Criteria: ACMG Guidelines, 2015. Collection method: clinical testing. Allele origin: germline.

Ambry Genetics
Classification: Uncertain significance for Hereditary cancer-predisposing syndrome. Last evaluated: 2024-06-04. Review status: criteria provided, single submitter. Criteria: Ambry Variant Classification Scheme 2023. Collection method: clinical testing. Allele origin: germline.
Comment: The p.K531T variant (also known as c.1592A>C), located in coding exon 9 of the BRCA2 gene, results from an A to C substitution at nucleotide position 1592. The lysine at codon 531 is replaced by threonine, an amino acid with similar properties. This amino acid position is poorly conserved in available vertebrate species. In addition, this alteration is predicted to be tolerated by in silico analysis. Since supporting evidence is limited at this time, the clinical significance of this alteration remains unclear.

Labcorp Genetics (formerly Invitae), Labcorp
Classification: Uncertain significance for Hereditary breast ovarian cancer syndrome. Last evaluated: 2023-10-17. Review status: criteria provided, single submitter. Criteria: Invitae Variant Classification Sherloc (09022015). Collection method: clinical testing. Allele origin: germline.
Comment: This sequence change replaces lysine, which is basic and polar, with threonine, which is neutral and polar, at codon 531 of the BRCA2 protein (p.Lys531Thr). This variant is not present in population databases (gnomAD no frequency). This variant has not been reported in the literature in individuals affected with BRCA2-related conditions. ClinVar contains an entry for this variant (Variation ID: 230786). Advanced modeling of protein sequence and biophysical properties (such as structural, functional, and spatial information, amino acid conservation, physicochemical variation, residue mobility, and thermodynamic stability) performed at Invitae indicates that this missense variant is not expected to disrupt BRCA2 protein function. In summary, the available evidence is currently insufficient to determine the role of this variant in disease. Therefore, it has been classified as a Variant of Uncertain Significance.

University of Washington Department of Laboratory Medicine, University of Washington
Classification: Likely benign for Hereditary cancer-predisposing syndrome. Last evaluated: 2023-03-23. Review status: criteria provided, single submitter. Criteria: Dines et al. (Genet Med. 2020). Collection method: curation. Allele origin: germline.
Comment: Missense variant in a coldspot region where missense variants are very unlikely to be pathogenic (PMID:31911673).

BRCA2 exon 10 coldspot. Reclassification based on statistical prior probability.